The following is an entry in ClinVar:

NM_004006.3(DMD):c.811C>T (p.Gln271Ter)

Gene: DMD (dystrophin; minus strand). Cytogenetic location: Xp21.1.
Variant type: single nucleotide variant.
Coding change: c.811C>T on transcript NM_004006.3 (MANE Select); coding-DNA position 811, C replaced by T.
Protein change: p.Gln271Ter; replaces glutamine 271 with a stop codon.
Molecular consequence: nonsense.
Genome position (GRCh38, 1-based): chrX:32,699,132, G>A on the plus strand (C>T on the coding strand, the complement: DMD is on the minus strand). VCF-style: chrX-32699132-G-A. GRCh37 (hg19) VCF-style: chrX-32717249-G-A.
Other names: c.787C>T, p.Gln263Ter (NM_000109.4); c.799C>T, p.Gln267Ter (NM_004009.3); c.442C>T, p.Gln148Ter (NM_004010.3); short protein forms Q148*, Q263*, Q267*, Q271*.
Identifiers: ClinVar variation 975106 (VCV000975106.13), dbSNP rs2063890662, ClinGen allele CA412668826.

ClinVar aggregate classification (germline): Pathogenic. Review status: criteria provided, multiple submitters, no conflicts (2 of 4 stars). 4 submissions from 4 submitters: Pathogenic (3). 1 of the submissions does not count toward it. Last evaluated 2023-07-22.

Conditions:
Duchenne muscular dystrophy (DMD). Also called: MUSCULAR DYSTROPHY, PSEUDOHYPERTROPHIC PROGRESSIVE, DUCHENNE TYPE; Duchenne Muscular Dystrophy (DMD). Identifiers: Orphanet 98896, MedGen C0013264, MONDO:0010679, OMIM 310200.

Submissions (4):

Neuberg Centre For Genomic Medicine, NCGM
Classification: Pathogenic for Duchenne muscular dystrophy. Last evaluated: 2023-07-22. Review status: criteria provided, single submitter. Criteria: ACMG Guidelines, 2015. Collection method: clinical testing. Allele origin: germline. Inheritance: X-linked recessive inheritance. Affected: yes.
Comment: The observed stop gained c.811C>T p.Gln271Ter variant in DMD gene has been previously reported in multiple individuals affected with DMD-related muscular dystrophy Cho et al., 2017; Razeq and Ahmad, 2021; Peña-Padilla et al., 2021. It has also been observed to segregate with disease in related individuals Razeq and Ahmad, 2021; Peña-Padilla et al., 2021. The p.Gln271Ter variant is absent in gnomAD Exomes. This variant has been submitted to the ClinVar database as Pathogenic. The reference amino acid of p.Gln271Ter in DMD is predicted as conserved by GERP++ and PhyloP across 100 vertebrates. This sequence change creates a premature translational stop signal p.Gln271Ter in the DMD gene. This variant is predicted to cause loss of normal protein function through protein truncation. Loss of function variants in DMD gene have been previously reported to be disease causing Santos et al., 2014. For these reasons, this variant has been classified as Pathogenic.

Laboratory of Medical Genetics, National & Kapodistrian University of Athens
Classification: Pathogenic for Duchenne muscular dystrophy. Last evaluated: 2022-12-16. Review status: criteria provided, single submitter. Criteria: ACMG Guidelines, 2015. Collection method: clinical testing. Allele origin: germline. Affected: yes.
Comment: PVS1, PM2, PP5

Labcorp Genetics (formerly Invitae), Labcorp
Classification: Pathogenic for Duchenne muscular dystrophy. Last evaluated: 2021-07-20. Review status: criteria provided, single submitter. Criteria: Invitae Variant Classification Sherloc (09022015). Collection method: clinical testing. Allele origin: germline.
Comment: For these reasons, this variant has been classified as Pathogenic. ClinVar contains an entry for this variant (Variation ID: 975106). This premature translational stop signal has been observed in individual(s) with clinical features of DMD-related conditions (PMID: 27593222). This variant is not present in population databases (ExAC no frequency). This sequence change creates a premature translational stop signal (p.Gln271*) in the DMD gene. It is expected to result in an absent or disrupted protein product. Loss-of-function variants in DMD are known to be pathogenic (PMID: 16770791, 25007885).

Centro de Registro e Investigacion sobre Anomalias Congenitas, Hospital Civil de Guadalajara Dr. Juan I. Menchaca
Classification: Pathogenic for Duchenne muscular dystrophy. Last evaluated: 2020-06-29. Review status: no assertion criteria provided. Collection method: clinical testing. Allele origin: maternal. Inheritance: X-linked inheritance. Affected: yes. Observed: 1 hemizygote. Not counted in ClinVar's aggregate classification.
Comment: This variant was absent from large population studies.

Literature cited by the submitters: PubMed 27593222 (cited by Labcorp Genetics (formerly Invitae), Labcorp); PubMed 16770791 (cited by Labcorp Genetics (formerly Invitae), Labcorp); PubMed 25007885 (cited by Labcorp Genetics (formerly Invitae), Labcorp).